The following is an entry in ClinVar:

NM_000702.4(ATP1A2):c.2790C>T (p.Asp930=)

Gene: ATP1A2 (ATPase Na+/K+ transporting subunit alpha 2; plus strand). Cytogenetic location: 1q23.2.
Variant type: single nucleotide variant.
Coding change: c.2790C>T on transcript NM_000702.4 (MANE Select); coding-DNA position 2790, C replaced by T.
Protein change: p.Asp930=; no amino-acid change (aspartic acid 930 retained).
Molecular consequence: synonymous variant.
Genome position (GRCh38, 1-based): chr1:160,136,981, C>T. VCF-style: chr1-160136981-C-T. GRCh37 (hg19) VCF-style: chr1-160106771-C-T.
Identifiers: ClinVar variation 381995 (VCV000381995.15), dbSNP rs376259974, ClinGen allele CA1194839.

ClinVar aggregate classification (germline): Likely benign. Review status: criteria provided, multiple submitters, no conflicts (2 of 4 stars). 3 submissions from 3 submitters: Likely benign (3). Last evaluated 2026-06-24.

Conditions:
ATP1A2-related disorder. Also called: ATP1A2-RELATED DISORDERS; ATP1A2-related condition.
Familial hemiplegic migraine. Identifiers: MedGen C0338484, MONDO:0000700.

Allele frequency attached by ClinVar (database versions not stated): gnomAD exomes 0.00001 and 0.00003; ExAC 0.00002; TOPMed 0.00006; ESP Exome Variant Server 0.00008; gnomAD 0.00011 and 0.00012.
gnomAD v4.1: 31 of 1,614,024 alleles (0.0019%); highest among the groups gnomAD compares: African/African-American, 0.028%; no homozygotes.

Submissions (3):

PreventionGenetics, part of Exact Sciences
Classification: Likely benign for ATP1A2-related condition. Last evaluated: 2026-06-24. Review status: criteria provided, single submitter. Criteria: ACMG Guidelines, 2015. Collection method: clinical testing. Allele origin: germline.
Comment: This variant is classified as likely benign based on ACMG/AMP sequence variant interpretation guidelines (Richards et al. 2015 PMID: 25741868, with internal and published modifications).

Labcorp Genetics (formerly Invitae), Labcorp
Classification: Likely benign for Familial hemiplegic migraine. Last evaluated: 2025-09-08. Review status: criteria provided, single submitter. Criteria: Invitae Variant Classification Sherloc (09022015). Collection method: clinical testing. Allele origin: germline.

GeneDx
Classification: Likely benign. Last evaluated: 2018-07-13. Review status: criteria provided, single submitter. Criteria: GeneDx Variant Classification Process June 2021. Collection method: clinical testing. Allele origin: germline. Affected: yes.